The following is an entry in ClinVar:

NM_198578.4(LRRK2):c.4001G>A (p.Arg1334Gln)

Gene: LRRK2 (leucine rich repeat kinase 2; plus strand). Cytogenetic location: 12q12.
Variant type: single nucleotide variant.
Coding change: c.4001G>A on transcript NM_198578.4 (MANE Select); coding-DNA position 4001, G replaced by A.
Protein change: p.Arg1334Gln; replaces arginine 1334 with glutamine.
Molecular consequence: missense variant.
Genome position (GRCh38, 1-based): chr12:40,308,508, G>A. VCF-style: chr12-40308508-G-A. GRCh37 (hg19) VCF-style: chr12-40702310-G-A.
Other names: short protein forms R1334Q.
Identifiers: ClinVar variation 2039605 (VCV002039605.4), dbSNP rs772964685, ClinGen allele CA6514066.

ClinVar aggregate classification (germline): Uncertain significance (1 of 4 stars; one submission).

Conditions:
Autosomal dominant Parkinson disease 8. Also called: LRRK2-Related Parkinson Disease; Parkinson disease 8; Parkinson disease 8, susceptibility to. Identifiers: Orphanet 411602, MedGen C1846862, MONDO:0011764, OMIM 607060.

Allele frequency attached by ClinVar (database versions not stated): gnomAD 0.00003; TOPMed 0.00004; gnomAD exomes 0.00008; ExAC 0.00002.
gnomAD v4.1: 118 of 1,613,714 alleles (0.0073%); highest among the groups gnomAD compares: Non-Finnish European, 0.0098%; no homozygotes.

Submission:

Labcorp Genetics (formerly Invitae), Labcorp
Classification: Uncertain significance for Autosomal dominant Parkinson disease 8. Last evaluated: 2023-09-11. Review status: criteria provided, single submitter. Criteria: Invitae Variant Classification Sherloc (09022015). Collection method: clinical testing. Allele origin: germline.
Comment: In summary, the available evidence is currently insufficient to determine the role of this variant in disease. Therefore, it has been classified as a Variant of Uncertain Significance. Advanced modeling of protein sequence and biophysical properties (such as structural, functional, and spatial information, amino acid conservation, physicochemical variation, residue mobility, and thermodynamic stability) has been performed at Invitae for this missense variant, however the output from this modeling did not meet the statistical confidence thresholds required to predict the impact of this variant on LRRK2 protein function. ClinVar contains an entry for this variant (Variation ID: 2039605). This missense change has been observed in individual(s) with Parkinson disease (PMID: 32171587, 33640967, 33818904). This variant is present in population databases (rs772964685, gnomAD 0.003%). This sequence change replaces arginine, which is basic and polar, with glutamine, which is neutral and polar, at codon 1334 of the LRRK2 protein (p.Arg1334Gln).

Literature cited by the submitters: PubMed 32171587; PubMed 33640967; PubMed 33818904.